The following is an entry in ClinVar:

ClinVar aggregate classification (germline): Benign. Review status: criteria provided, multiple submitters, no conflicts (2 of 4 stars). 7 submissions from 7 submitters: Benign (7). Last evaluated 2026-02-04.

Conditions:
Congenital myasthenic syndrome 12 (CMS12). Also called: MYASTHENIC SYNDROME, CONGENITAL, WITH TUBULAR AGGREGATES 1; Myasthenia, congenital, 12, with tubular aggregates. Identifiers: Orphanet 353327, Orphanet 590, MedGen C3552335, MONDO:0012518, OMIM 610542.

Allele frequency attached by ClinVar (database versions not stated): ESP Exome Variant Server 0.00584; gnomAD 0.00975 and 0.01474; TOPMed 0.01399; gnomAD exomes 0.02848; ExAC 0.02971; 1000 Genomes Project 30x 0.05793; 1000 Genomes Project 0.06350.
gnomAD v4.1: 21,841 of 1,584,282 alleles (1.4%); highest among the groups gnomAD compares: East Asian, 19%; 1,385 homozygotes.

Submissions (7):

Labcorp Genetics (formerly Invitae), Labcorp
Classification: Benign for Congenital myasthenic syndrome 12. Last evaluated: 2026-02-04. Review status: criteria provided, single submitter. Criteria: Invitae Variant Classification Sherloc (09022015). Collection method: clinical testing. Allele origin: germline.

Mayo Clinic Laboratories, Mayo Clinic
Classification: Benign. Last evaluated: 2022-04-14. Review status: criteria provided, single submitter. Criteria: ACMG Guidelines, 2015. Collection method: clinical testing. Allele origin: germline. Observed: 12 variant alleles.

Illumina Laboratory Services, Illumina
Classification: Benign for Congenital myasthenic syndrome 12. Last evaluated: 2018-01-13. Review status: criteria provided, single submitter. Criteria: ICSL Variant Classification Criteria 13 December 2019. Collection method: clinical testing. Allele origin: germline.
Comment: This variant was observed in the ICSL laboratory as part of a predisposition screen in an ostensibly healthy population. It had not been previously curated by ICSL or reported in the Human Gene Mutation Database (HGMD: prior to June 1st, 2018), and was therefore a candidate for classification through an automated scoring system. Utilizing variant allele frequency, disease prevalence and penetrance estimates, and inheritance mode, an automated score was calculated to assess if this variant is too frequent to cause the disease. Based on the score and internal cut-off values, a variant classified as benign is not then subjected to further curation. The score for this variant resulted in a classification of benign for this disease.

GeneDx
Classification: Benign. Last evaluated: 2016-10-18. Review status: criteria provided, single submitter. Criteria: GeneDx Variant Classification (06012015). Collection method: clinical testing. Allele origin: germline. Affected: yes.
Comment: This variant is considered likely benign or benign based on one or more of the following criteria: it is a conservative change, it occurs at a poorly conserved position in the protein, it is predicted to be benign by multiple in silico algorithms, and/or has population frequency not consistent with disease.

Genetic Services Laboratory, University of Chicago
Classification: Benign for AllHighlyPenetrant. Last evaluated: 2013-08-15. Review status: criteria provided, single submitter. Criteria: ACMG Guidelines, 2007. Collection method: clinical testing. Allele origin: germline. Inheritance: Autosomal recessive inheritance.

Breakthrough Genomics
Classification: Benign. Review status: criteria provided, single submitter. Criteria: ACMG Guidelines, 2015. Collection method: not provided. Allele origin: germline. Inheritance: Autosomal recessive inheritance. Affected: yes.

PreventionGenetics, part of Exact Sciences
Classification: Benign. Review status: criteria provided, single submitter. Criteria: ACMG Guidelines, 2015. Collection method: clinical testing. Allele origin: germline.

NM_001244710.2(GFPT1):c.675C>T (p.Leu225=)

Gene: GFPT1 (glutamine--fructose-6-phosphate transaminase 1; minus strand). Cytogenetic location: 2p13.3.
Variant type: single nucleotide variant.
Coding change: c.675C>T on transcript NM_001244710.2 (MANE Select); coding-DNA position 675, C replaced by T.
Protein change: p.Leu225=; no amino-acid change (leucine 225 retained).
Molecular consequence: synonymous variant.
Genome position (GRCh38, 1-based): chr2:69,354,499, G>A on the plus strand (C>T on the coding strand, the complement: GFPT1 is on the minus strand). VCF-style: chr2-69354499-G-A. GRCh37 (hg19) VCF-style: chr2-69581631-G-A.
Other names: p.Leu225=; c.675C>T, p.Leu225= (NM_002056.4).
Identifiers: ClinVar variation 129153 (VCV000129153.21), dbSNP rs78952091, ClinGen allele CA152973.